The following is an entry in ClinVar:

NM_003072.5(SMARCA4):c.3547-1G>A

Gene: SMARCA4 (SWI/SNF related BAF chromatin remodeling complex subunit ATPase 4; plus strand). Cytogenetic location: 19p13.2.
Variant type: single nucleotide variant.
Coding change: c.3547-1G>A on transcript NM_003072.5 (MANE Select); the canonical splice acceptor site of the intron before coding-DNA position 3547, G replaced by A.
Molecular consequence: splice acceptor variant.
Genome position (GRCh38, 1-based): chr19:11,033,289, G>A. VCF-style: chr19-11033289-G-A. GRCh37 (hg19) VCF-style: chr19-11143965-G-A.
Other names: c.3547-1G>A (NM_001128844.3, NM_001128849.3, NM_001128847.4 and 6 more transcripts).
Identifiers: ClinVar variation 1068242 (VCV001068242.9), dbSNP rs2146647668, ClinGen allele CA404065048.
Genomic context (GRCh38, chr19:11,033,289, plus strand): 5'-CCACCTTCCCTTTTATGACCTCCTGGGCTCCTTTGGGACTGACTGGCACCTCTTCCCCCA[G>A]GACCTGCAAGCGCAGGACCGAGCCCACCGCATCGGGCAGCAGAACGAGGTGCGTGTGCTC-3'

ClinVar aggregate classification (germline): Pathogenic (1 of 4 stars; one submission).

Conditions:
Rhabdoid tumor predisposition syndrome 2 (RTPS2). Identifiers: Orphanet 231108, Orphanet 69077, MedGen C2750074, MONDO:0013224, OMIM 613325.

Submission:

Labcorp Genetics (formerly Invitae), Labcorp
Classification: Pathogenic for Rhabdoid tumor predisposition syndrome 2. Last evaluated: 2023-10-26. Review status: criteria provided, single submitter. Criteria: Invitae Variant Classification Sherloc (09022015). Collection method: clinical testing. Allele origin: germline.
Comment: This sequence change affects an acceptor splice site in intron 25 of the SMARCA4 gene. It is expected to disrupt RNA splicing. Variants that disrupt the donor or acceptor splice site typically lead to a loss of protein function (PMID: 16199547), and loss-of-function variants in SMARCA4 are known to be pathogenic (PMID: 24658001, 24658002). This variant is not present in population databases (gnomAD no frequency). Disruption of this splice site has been observed in individual(s) with clinical features of rhabdoid tumor predisposition syndrome, type 2 (Invitae). In at least one individual the variant was observed to be de novo. ClinVar contains an entry for this variant (Variation ID: 1068242). Algorithms developed to predict the effect of sequence changes on RNA splicing suggest that this variant may disrupt the consensus splice site. For these reasons, this variant has been classified as Pathogenic.

Literature cited by the submitters: PubMed 16199547; PubMed 24658001; PubMed 24658002.